The following is an entry in ClinVar:

ClinVar aggregate classification (germline): Uncertain significance (1 of 4 stars; one submission).

Conditions:
Werner syndrome (WRN). Identifiers: Orphanet 902, MedGen C0043119, MONDO:0010196, OMIM 277700.

Submission:

Labcorp Genetics (formerly Invitae), Labcorp
Classification: Uncertain significance for Werner syndrome. Last evaluated: 2024-07-01. Review status: criteria provided, single submitter. Criteria: Invitae Variant Classification Sherloc (09022015). Collection method: clinical testing. Allele origin: germline.
Comment: This sequence change replaces glutamic acid, which is acidic and polar, with aspartic acid, which is acidic and polar, at codon 535 of the WRN protein (p.Glu535Asp). This variant is not present in population databases (gnomAD no frequency). This variant has not been reported in the literature in individuals affected with WRN-related conditions. An algorithm developed to predict the effect of missense changes on protein structure and function (PolyPhen-2) suggests that this variant is likely to be tolerated. In summary, the available evidence is currently insufficient to determine the role of this variant in disease. Therefore, it has been classified as a Variant of Uncertain Significance.

NM_000553.6(WRN):c.1605G>T (p.Glu535Asp)

Gene: WRN (WRN RecQ like helicase; plus strand). Cytogenetic location: 8p12.
Variant type: single nucleotide variant.
Coding change: c.1605G>T on transcript NM_000553.6 (MANE Select); coding-DNA position 1605, G replaced by T.
Protein change: p.Glu535Asp; replaces glutamic acid 535 with aspartic acid.
Molecular consequence: missense variant.
Genome position (GRCh38, 1-based): chr8:31,088,918, G>T. VCF-style: chr8-31088918-G-T. GRCh37 (hg19) VCF-style: chr8-30946434-G-T.
Other names: short protein forms E535D.
Identifiers: ClinVar variation 3625406 (VCV003625406.2).